The following is an entry in ClinVar:

NM_002878.4(RAD51D):c.83-4_83-3delinsAG

Genes: RAD51L3-RFFL (RAD51L3-RFFL readthrough; minus strand), RAD51D (RAD51 paralog D; minus strand). Cytogenetic location: 17q12.
Variant type: Indel.
Coding change: c.83-4_83-3delinsAG on transcript NM_002878.4 (MANE Select); 4 bases into the intron before coding-DNA position 83 through 3 bases into the intron before coding-DNA position 83, TC replaced by AG.
Molecular consequence: intron variant.
Genome position (GRCh38, 1-based): chr17:35,119,175-35,119,176, GA replaced by CT on the plus strand (TC replaced by AG on the coding strand, the reverse complement: RAD51D is on the minus strand). VCF-style: chr17-35119175-GA-CT. GRCh37 (hg19) VCF-style: chr17-33446194-GA-CT.
Other names: c.83-4_83-3delinsAG (NM_133629.3, NM_001142571.2); c.83-4_83-3delTCinsAG (NM_002878.3).
Identifiers: ClinVar variation 926681 (VCV000926681.16), dbSNP rs2091789505, ClinGen allele CA913188838.

ClinVar aggregate classification (germline): Conflicting classifications of pathogenicity. Review status: criteria provided, conflicting classifications (1 of 4 stars). 4 submissions from 4 submitters: Pathogenic (1); Uncertain significance (3). Last evaluated 2026-01-12.

Conditions:
Breast-ovarian cancer, familial, susceptibility to, 4. Identifiers: Orphanet 145, MedGen C3280345, MONDO:0013669, OMIM 614291.
Hereditary cancer-predisposing syndrome. Also called: Neoplastic Syndromes, Hereditary; Tumor predisposition; Hereditary Cancer Syndrome; Hereditary neoplastic syndrome. Identifiers: Orphanet 140162, MedGen C0027672, MeSH D009386, MONDO:0015356.

Submissions (4):

Labcorp Genetics (formerly Invitae), Labcorp
Classification: Pathogenic for Breast-ovarian cancer, familial, susceptibility to, 4. Last evaluated: 2026-01-12. Review status: criteria provided, single submitter. Criteria: Invitae Variant Classification Sherloc (09022015). Collection method: clinical testing. Allele origin: germline.
Comment: This sequence change falls in intron 1 of the RAD51D gene. It does not directly change the encoded amino acid sequence of the RAD51D protein. RNA analysis indicates that this variant induces altered splicing and may result in an absent or altered protein product. Information on the frequency of this variant in the gnomAD database is not available, as this variant may be reported differently in the database. This variant has not been reported in the literature in individuals affected with RAD51D-related conditions. ClinVar contains an entry for this variant (Variation ID: 926681). Variants that disrupt the consensus splice site are a relatively common cause of aberrant splicing (PMID: 17576681, 9536098). Studies have shown that this variant results in activation of a cryptic splice site, and produces a non-functional protein and/or introduces a premature termination codon (internal data). For these reasons, this variant has been classified as Pathogenic.

Ambry Genetics
Classification: Uncertain significance for Hereditary cancer-predisposing syndrome. Last evaluated: 2025-08-22. Review status: criteria provided, single submitter. Criteria: Ambry Variant Classification Scheme 2023. Collection method: clinical testing. Allele origin: germline.
Comment: The c.83-4_83-3delTCinsAG intronic variant, results from a TC to AG substitution three and four nucleotides upstream from coding exon 2 of the RAD51D gene. This nucleotide region is well conserved in available vertebrate species. In silico splice site analysis predicts that this alteration will result in the creation or strengthening of a novel splice acceptor site; however, direct evidence is insufficient at this time (Ambry internal data). Since supporting evidence is limited at this time, the clinical significance of this alteration remains unclear.

Baylor Genetics
Classification: Uncertain significance for Breast-ovarian cancer, familial, susceptibility to, 4. Last evaluated: 2021-12-10. Review status: criteria provided, single submitter. Criteria: ACMG Guidelines, 2015. Collection method: clinical testing. Allele origin: unknown.

Color Diagnostics, LLC DBA Color Health
Classification: Uncertain significance for Hereditary cancer-predisposing syndrome. Last evaluated: 2019-12-02. Review status: criteria provided, single submitter. Criteria: ACMG Guidelines, 2015. Collection method: clinical testing. Allele origin: germline.
Comment: This variant causes a TC>AG multiple nucleotide substitution at the -4 to -3 position of intron 1 of the RAD51D gene. Splice site prediction tools predict that this variant may have a significant impact on RNA splicing. Although this prediction has not been confirmed in published RNA studies, this variant may result in an absent or disrupted protein product. To our knowledge, functional studies have not been performed for this variant. This variant has not been reported in individuals affected with hereditary cancer in the literature. This variant has not been identified in the general population by the Genome Aggregation Database (gnomAD). The available evidence is insufficient to determine the role of this variant in disease conclusively. Therefore, this variant is classified as a Variant of Uncertain Significance.

Literature cited by the submitters: PubMed 17576681 (cited by Labcorp Genetics (formerly Invitae), Labcorp); PubMed 9536098 (cited by Labcorp Genetics (formerly Invitae), Labcorp).